The following is an entry in ClinVar:

NM_000271.5(NPC1):c.335C>T (p.Thr112Ile)

Gene: NPC1 (NPC intracellular cholesterol transporter 1; minus strand). Cytogenetic location: 18q11.2.
Variant type: single nucleotide variant.
Coding change: c.335C>T on transcript NM_000271.5 (MANE Select); coding-DNA position 335, C replaced by T.
Protein change: p.Thr112Ile; replaces threonine 112 with isoleucine.
Molecular consequence: missense variant.
Genome position (GRCh38, 1-based): chr18:23,568,951, G>A on the plus strand (C>T on the coding strand, the complement: NPC1 is on the minus strand). VCF-style: chr18-23568951-G-A. GRCh37 (hg19) VCF-style: chr18-21148915-G-A.
Other names: short protein forms T112I.
Identifiers: ClinVar variation 1714589 (VCV001714589.5), dbSNP rs2511341460, ClinGen allele CA401785662.

ClinVar aggregate classification (germline): Uncertain significance (1 of 4 stars; one submission).

Conditions:
Niemann-Pick disease, type C1. Also called: NIEMANN-PICK DISEASE, VARIANT TYPE C1; NEUROVISCERAL STORAGE DISEASE WITH VERTICAL SUPRANUCLEAR OPHTHALMOPLEGIA; NIEMANN-PICK DISEASE WITH CHOLESTEROL ESTERIFICATION BLOCK; NIEMANN-PICK DISEASE WITHOUT SPHINGOMYELINASE DEFICIENCY; NIEMANN-PICK DISEASE, CHRONIC NEURONOPATHIC FORM. Identifiers: Orphanet 646, MedGen C3179455, MONDO:0009757, OMIM 257220.

Allele frequency attached by ClinVar (database versions not stated): gnomAD exomes below 0.00001.
gnomAD v4.1: 1 of 1,613,932 alleles (0.000062%); highest among the groups gnomAD compares: Non-Finnish European, 0.000085%; no homozygotes.

Submission:

Labcorp Genetics (formerly Invitae), Labcorp
Classification: Uncertain significance for Niemann-Pick disease, type C1. Last evaluated: 2022-10-13. Review status: criteria provided, single submitter. Criteria: Invitae Variant Classification Sherloc (09022015). Collection method: clinical testing. Allele origin: germline.
Comment: In summary, the available evidence is currently insufficient to determine the role of this variant in disease. Therefore, it has been classified as a Variant of Uncertain Significance. Advanced modeling of protein sequence and biophysical properties (such as structural, functional, and spatial information, amino acid conservation, physicochemical variation, residue mobility, and thermodynamic stability) performed at Invitae indicates that this missense variant is expected to disrupt NPC1 protein function. This variant has not been reported in the literature in individuals affected with NPC1-related conditions. This variant is not present in population databases (gnomAD no frequency). This sequence change replaces threonine, which is neutral and polar, with isoleucine, which is neutral and non-polar, at codon 112 of the NPC1 protein (p.Thr112Ile).